The following is an entry in ClinVar:

ClinVar aggregate classification (germline): Uncertain significance (1 of 4 stars; one submission).

Submission:

Labcorp Genetics (formerly Invitae), Labcorp
Classification: Uncertain significance. Last evaluated: 2022-02-25. Review status: criteria provided, single submitter. Criteria: Invitae Variant Classification Sherloc (09022015). Collection method: clinical testing. Allele origin: germline.
Comment: In summary, the available evidence is currently insufficient to determine the role of this variant in disease. Therefore, it has been classified as a Variant of Uncertain Significance. Algorithms developed to predict the effect of missense changes on protein structure and function are either unavailable or do not agree on the potential impact of this missense change (SIFT: "Not Available"; PolyPhen-2: "Benign"; Align-GVGD: "Not Available"). This variant has not been reported in the literature in individuals affected with IFT88-related conditions. This variant is not present in population databases (gnomAD no frequency). This sequence change replaces alanine, which is neutral and non-polar, with glycine, which is neutral and non-polar, at codon 95 of the IFT88 protein (p.Ala95Gly).

NM_006531.5(IFT88):c.257C>G (p.Ala86Gly)

Gene: IFT88 (intraflagellar transport 88; plus strand). Cytogenetic location: 13q12.11.
Variant type: single nucleotide variant.
Coding change: c.257C>G on transcript NM_006531.5 (MANE Select); coding-DNA position 257, C replaced by G.
Protein change: p.Ala86Gly; replaces alanine 86 with glycine.
Molecular consequence: missense variant. On other transcripts: 5 prime UTR variant (1), non-coding transcript variant (5).
Genome position (GRCh38, 1-based): chr13:20,591,013, C>G. VCF-style: chr13-20591013-C-G. GRCh37 (hg19) VCF-style: chr13-21165152-C-G.
Other names: c.200C>G, p.Ala67Gly (NM_001318491.2, NM_001353573.2, NM_001353574.2 and 1 more transcripts); c.284C>G, p.Ala95Gly (NM_001318493.2, NM_001353565.2, NM_001353566.2 and 6 more transcripts); c.257C>G, p.Ala86Gly (NM_001353568.2, NM_001353571.2, NM_001353572.2 and 1 more transcripts); c.-307C>G (NM_001353579.2); short protein forms A95G, A67G, A86G.
Identifiers: ClinVar variation 2103320 (VCV002103320.4), dbSNP rs2548030454, ClinGen allele CA387471687.
Genomic context (GRCh38, chr13:20,591,013, plus strand): 5'-TTTCTGTTTACTAGTCCAAGACATCTCTGGCATCATCAATAGGAAGACCAATGACAGGGG[C>G]TATTCAGGTATCTCTATTGGATGCATGTTCATTTTGTGCCTTTCTTGTGACTTGGAATTT-3'
Protein context (NP_006522.2, residues 76-96): ASSIGRPMTG[Ala86Gly]IQDGVTRPMT